The following is an entry in ClinVar:

ClinVar aggregate classification (germline): Likely pathogenic. Review status: criteria provided, multiple submitters, no conflicts (2 of 4 stars). 2 submissions from 2 submitters: Likely pathogenic (2). Last evaluated 2025-01-27.

gnomAD v4.1: 130 of 1,614,092 alleles (0.0081%); highest among the groups gnomAD compares: Non-Finnish European, 0.0097%; no homozygotes.

Submissions (2):

Labcorp Genetics (formerly Invitae), Labcorp
Classification: Likely pathogenic. Last evaluated: 2025-01-27. Review status: criteria provided, single submitter. Criteria: Invitae Variant Classification Sherloc (09022015). Collection method: clinical testing. Allele origin: germline.
Comment: This sequence change replaces arginine, which is basic and polar, with tryptophan, which is neutral and slightly polar, at codon 580 of the AARS2 protein (p.Arg580Trp). This variant is present in population databases (rs369566535, gnomAD 0.009%). This missense change has been observed in individual(s) with AARS2-related conditions (PMID: 30008475, 30285085). In at least one individual the data is consistent with being in trans (on the opposite chromosome) from a pathogenic variant. ClinVar contains an entry for this variant (Variation ID: 1707949). Invitae Evidence Modeling of protein sequence and biophysical properties (such as structural, functional, and spatial information, amino acid conservation, physicochemical variation, residue mobility, and thermodynamic stability) indicates that this missense variant is not expected to disrupt AARS2 protein function with a negative predictive value of 80%. Experimental studies have shown that this missense change affects AARS2 function (PMID: 30285085). In summary, the currently available evidence indicates that the variant is pathogenic, but additional data are needed to prove that conclusively. Therefore, this variant has been classified as Likely Pathogenic.

GeneDx
Classification: Likely pathogenic. Last evaluated: 2024-01-16. Review status: criteria provided, single submitter. Criteria: GeneDx Variant Classification Process June 2021. Collection method: clinical testing. Allele origin: germline.
Comment: Not observed at significant frequency in large population cohorts (gnomAD); In silico analysis supports that this missense variant has a deleterious effect on protein structure/function; This variant is associated with the following publications: (PMID: 30008475, 30285085)

Literature cited by the submitters: PubMed 30008475 (cited by Labcorp Genetics (formerly Invitae), Labcorp); PubMed 30285085 (cited by Labcorp Genetics (formerly Invitae), Labcorp).

NM_020745.4(AARS2):c.1738C>T (p.Arg580Trp)

Gene: AARS2 (alanyl-tRNA synthetase 2, mitochondrial; minus strand). Cytogenetic location: 6p21.1.
Variant type: single nucleotide variant.
Coding change: c.1738C>T on transcript NM_020745.4 (MANE Select); coding-DNA position 1738, C replaced by T.
Protein change: p.Arg580Trp; replaces arginine 580 with tryptophan.
Molecular consequence: missense variant.
Genome position (GRCh38, 1-based): chr6:44,304,659, G>A on the plus strand (C>T on the coding strand, the complement: AARS2 is on the minus strand). VCF-style: chr6-44304659-G-A. GRCh37 (hg19) VCF-style: chr6-44272396-G-A.
Other names: short protein forms R580W.
Identifiers: ClinVar variation 1707949 (VCV001707949.4), dbSNP rs369566535, ClinGen allele CA3834234.